The following is an entry in ClinVar:

NM_004281.4(BAG3):c.418G>T (p.Gly140Cys)

Gene: BAG3 (BAG cochaperone 3; plus strand). Cytogenetic location: 10q26.11.
Variant type: single nucleotide variant.
Coding change: c.418G>T on transcript NM_004281.4 (MANE Select); coding-DNA position 418, G replaced by T.
Protein change: p.Gly140Cys; replaces glycine 140 with cysteine.
Molecular consequence: missense variant.
Genome position (GRCh38, 1-based): chr10:119,670,088, G>T. VCF-style: chr10-119670088-G-T. GRCh37 (hg19) VCF-style: chr10-121429600-G-T.
Other names: short protein forms G140C.
Identifiers: ClinVar variation 4793113 (VCV004793113.1).

ClinVar aggregate classification (germline): Uncertain significance (1 of 4 stars; one submission).

Conditions:
Myofibrillar myopathy 6. Identifiers: Orphanet 199340, MedGen C2751831, MONDO:0013061, OMIM 612954.
Dilated cardiomyopathy 1HH (CMD1HH). Identifiers: Orphanet 154, MedGen C3151293, MONDO:0013479, OMIM 613881.

Submission:

Labcorp Genetics (formerly Invitae), Labcorp
Classification: Uncertain significance for Dilated cardiomyopathy 1HH; Myofibrillar myopathy 6. Last evaluated: 2025-05-01. Review status: criteria provided, single submitter. Criteria: Invitae Variant Classification Sherloc (09022015). Collection method: clinical testing. Allele origin: germline.
Comment: This sequence change replaces glycine, which is neutral and non-polar, with cysteine, which is neutral and slightly polar, at codon 140 of the BAG3 protein (p.Gly140Cys). This variant is not present in population databases (gnomAD no frequency). This variant has not been reported in the literature in individuals affected with BAG3-related conditions. Invitae Evidence Modeling of protein sequence and biophysical properties (such as structural, functional, and spatial information, amino acid conservation, physicochemical variation, residue mobility, and thermodynamic stability) indicates that this missense variant is not expected to disrupt BAG3 protein function with a negative predictive value of 80%. In summary, the available evidence is currently insufficient to determine the role of this variant in disease. Therefore, it has been classified as a Variant of Uncertain Significance.